The following is an entry in ClinVar:

ClinVar aggregate classification (germline): Likely benign (1 of 4 stars; one submission).

gnomAD v4.1: 673 of 1,614,132 alleles (0.042%); highest among the groups gnomAD compares: Admixed American, 0.28%; 1 homozygote.

Submission:

CeGaT Center for Human Genetics Tuebingen
Classification: Likely benign. Last evaluated: 2025-02-01. Review status: criteria provided, single submitter. Criteria: CeGaT Center For Human Genetics Tuebingen Variant Classification Criteria Version 2. Collection method: clinical testing. Allele origin: germline. Affected: yes. Observed: 1 variant allele.
Comment: OTOP2: BP4, BP7

NM_178160.3(OTOP2):c.1584C>T (p.Tyr528=)

Gene: OTOP2 (otopetrin 2; plus strand). Cytogenetic location: 17q25.1.
Variant type: single nucleotide variant.
Coding change: c.1584C>T on transcript NM_178160.3 (MANE Select); coding-DNA position 1584, C replaced by T.
Protein change: p.Tyr528=; no amino-acid change (tyrosine 528 retained).
Molecular consequence: synonymous variant.
Genome position (GRCh38, 1-based): chr17:74,933,440, C>T. VCF-style: chr17-74933440-C-T. GRCh37 (hg19) VCF-style: chr17-72929535-C-T.
Identifiers: ClinVar variation 3770831 (VCV003770831.13).